The following is an entry in ClinVar:

NM_004633.4(IL1R2):c.-44C>A

Gene: IL1R2 (interleukin 1 receptor type 2; plus strand). Cytogenetic location: 2q11.2.
Variant type: single nucleotide variant.
Coding change: c.-44C>A on transcript NM_004633.4 (MANE Select); 44 bases upstream of the start codon, C replaced by A.
Molecular consequence: 5 prime UTR variant. On other transcripts: non-coding transcript variant (1).
Genome position (GRCh38, 1-based): chr2:102,008,532, C>A. VCF-style: chr2-102008532-C-A. GRCh37 (hg19) VCF-style: chr2-102624994-C-A.
Other names: c.-44C>A (NM_001261419.2).
Identifiers: ClinVar variation 2651210 (VCV002651210.24), dbSNP rs200366216, ClinGen allele CA1807618.

ClinVar aggregate classification (germline): Likely benign (1 of 4 stars; one submission).

Allele frequency attached by ClinVar (database versions not stated): 1000 Genomes Project 0.00060; 1000 Genomes Project 30x 0.00062; gnomAD 0.00184; ExAC 0.00186; ESP Exome Variant Server 0.00192; TOPMed 0.00242.
gnomAD v4.1: 2,771 of 1,536,132 alleles (0.18%); highest among the groups gnomAD compares: Middle Eastern, 0.66%; 6 homozygotes.

Submission:

CeGaT Center for Human Genetics Tuebingen
Classification: Likely benign. Last evaluated: 2023-01-01. Review status: criteria provided, single submitter. Criteria: CeGaT Center For Human Genetics Tuebingen Variant Classification Criteria Version 2. Collection method: clinical testing. Allele origin: germline. Affected: yes. Observed: 1 variant allele.
Comment: IL1R2: BS2